The following is an entry in ClinVar:

ClinVar aggregate classification (germline): Uncertain significance (1 of 4 stars; one submission).

gnomAD v4.1: 13 of 1,613,612 alleles (0.00081%); highest among the groups gnomAD compares: Non-Finnish European, 0.0011%; no homozygotes.

Submission:

GeneDx
Classification: Uncertain significance. Last evaluated: 2025-05-08. Review status: criteria provided, single submitter. Criteria: GeneDx Variant Classification Process June 2021. Collection method: clinical testing. Allele origin: germline. Affected: yes.
Comment: Not observed at significant frequency in large population cohorts (gnomAD); In silico analysis suggests that this missense variant does not alter protein structure/function; Has not been previously published as pathogenic or benign to our knowledge

NM_015192.4(PLCB1):c.3133G>A (p.Val1045Ile)

Gene: PLCB1 (phospholipase C beta 1; plus strand). Cytogenetic location: 20p12.3.
Variant type: single nucleotide variant.
Coding change: c.3133G>A on transcript NM_015192.4 (MANE Select); coding-DNA position 3133, G replaced by A.
Protein change: p.Val1045Ile; replaces valine 1045 with isoleucine.
Molecular consequence: missense variant.
Genome position (GRCh38, 1-based): chr20:8,788,470, G>A. VCF-style: chr20-8788470-G-A. GRCh37 (hg19) VCF-style: chr20-8769117-G-A.
Other names: c.3133G>A, p.Val1045Ile (NM_182734.3); short protein forms V1045I.
Identifiers: ClinVar variation 4527508 (VCV004527508.1).